The following is an entry in ClinVar:

NM_007175.8(ERLIN2):c.740-5C>G

Gene: ERLIN2 (ER lipid raft associated 2; plus strand). Cytogenetic location: 8p11.23.
Variant type: single nucleotide variant.
Coding change: c.740-5C>G on transcript NM_007175.8 (MANE Select); 5 bases into the intron before coding-DNA position 740, C replaced by G.
Molecular consequence: intron variant.
Genome position (GRCh38, 1-based): chr8:37,753,445, C>G. VCF-style: chr8-37753445-C-G. GRCh37 (hg19) VCF-style: chr8-37610963-C-G.
Other names: c.740-5C>G (NM_001362878.2).
Identifiers: ClinVar variation 210958 (VCV000210958.41), dbSNP rs191003311, ClinGen allele CA206682.

ClinVar aggregate classification (germline): Conflicting classifications of pathogenicity. Review status: criteria provided, conflicting classifications (1 of 4 stars). 4 submissions from 4 submitters: Uncertain significance (1); Benign (1); Likely benign (1). 1 of the submissions does not count toward it. Last evaluated 2025-11-25.

Conditions:
ERLIN2-related disorder. Also called: ERLIN2-related condition.
Spastic paraplegia. Identifiers: MedGen C0037772, HP:0001258.

Allele frequency attached by ClinVar (database versions not stated): 1000 Genomes Project 0.00100; ESP Exome Variant Server 0.00131; 1000 Genomes Project 30x 0.00141; TOPMed 0.00162.
gnomAD v4.1: 477 of 1,613,640 alleles (0.03%); highest among the groups gnomAD compares: African/African-American, 0.41%; 2 homozygotes.

Submissions (6):

Labcorp Genetics (formerly Invitae), Labcorp
Classification: Benign for Spastic paraplegia. Last evaluated: 2025-11-25. Review status: criteria provided, single submitter. Criteria: Invitae Variant Classification Sherloc (09022015). Collection method: clinical testing. Allele origin: germline.

CeGaT Center for Human Genetics Tuebingen
Classification: Likely benign. Last evaluated: 2022-09-01. Review status: criteria provided, single submitter. Criteria: CeGaT Center For Human Genetics Tuebingen Variant Classification Criteria Version 2. Collection method: clinical testing. Allele origin: germline. Affected: yes. Observed: 1 variant allele.
Comment: ERLIN2: BP4

Genetic Services Laboratory, University of Chicago
Classification: Uncertain significance. Last evaluated: 2017-01-30. Review status: criteria provided, single submitter. Criteria: ACMG Guidelines, 2015. Collection method: clinical testing. Allele origin: germline. Affected: no.

PreventionGenetics, part of Exact Sciences
Classification: Likely benign for ERLIN2-related condition. Last evaluated: 2019-07-30. Review status: no assertion criteria provided. Collection method: clinical testing. Allele origin: germline. Not counted in ClinVar's aggregate classification.
Comment: This variant is classified as likely benign based on ACMG/AMP sequence variant interpretation guidelines (Richards et al. 2015 PMID: 25741868, with internal and published modifications).

Dr. Peter K. Rogan Lab, Western University
No classification provided (evidence only). Condition: Colon adenocarcinoma. Review status: no classification provided. Collection method: in vitro. Allele origin: not applicable. Functional consequence: skipped exon. Not counted in ClinVar's aggregate classification.

Dr. Peter K. Rogan Lab, Western University
No classification provided (evidence only). Condition: Nonpapillary renal cell carcinoma. Review status: no classification provided. Collection method: in vitro. Allele origin: not applicable. Functional consequence: skipped exon. Not counted in ClinVar's aggregate classification.